The following is an entry in ClinVar:

NM_001267550.2(TTN):c.64333A>G (p.Asn21445Asp)

Genes: TTN-AS1 (TTN antisense RNA 1; plus strand), TTN (titin; minus strand). Cytogenetic location: 2q31.2.
Variant type: single nucleotide variant.
Coding change: c.64333A>G on transcript NM_001267550.2 (MANE Select); coding-DNA position 64333, A replaced by G.
Protein change: p.Asn21445Asp; replaces asparagine 21445 with aspartic acid.
Molecular consequence: missense variant.
Genome position (GRCh38, 1-based): chr2:178,586,568, T>C on the plus strand (A>G on the coding strand, the complement: TTN is on the minus strand). VCF-style: chr2-178586568-T-C. GRCh37 (hg19) VCF-style: chr2-179451295-T-C.
Other names: p.N19804D:AAT>GAT; c.59410A>G, p.Asn19804Asp (NM_001256850.1); c.37138A>G, p.Asn12380Asp (NM_003319.4); c.56629A>G, p.Asn18877Asp (NM_133378.4); c.37513A>G, p.Asn12505Asp (NM_133432.3); c.37714A>G, p.Asn12572Asp (NM_133437.4); short protein forms N19804D, N21445D, N12380D, N12505D, N12572D, N18877D.
Identifiers: ClinVar variation 202782 (VCV000202782.2), dbSNP rs794729476, ClinGen allele CA310270.

ClinVar aggregate classification (germline): Uncertain significance (1 of 4 stars; one submission).

Submission:

GeneDx
Classification: Uncertain significance. Last evaluated: 2014-02-28. Review status: criteria provided, single submitter. Criteria: GeneDx Variant Classification (06012015). Collection method: clinical testing. Allele origin: germline. Affected: yes.
Comment: Missense variants in the TTN gene are considered 'unclassified' if they are not previously reported in the literature and do not have >1% frequency in the population to be considered a polymorphism. Research indicates that truncating mutations in the TTN gene are expected to account for approximately 25% of familial and 18% of sporadic idiopathic DCM; however, truncating variants in the TTN gene have been reported in approximately 3% of reported control alleles. There has been little investigation into non-truncating variants. (Herman D et al. Truncations of titin causing dilated cardiomyopathy. N Eng J Med 366:619-628, 2012) The variant is found in DCM-CRDM panel(s).